The following is an entry in ClinVar:

NM_001134831.2(AHI1):c.3578C>G (p.Thr1193Ser)

Gene: AHI1 (Abelson helper integration site 1; minus strand). Cytogenetic location: 6q23.3.
Variant type: single nucleotide variant.
Coding change: c.3578C>G on transcript NM_001134831.2 (MANE Select); coding-DNA position 3578, C replaced by G.
Protein change: p.Thr1193Ser; replaces threonine 1193 with serine.
Molecular consequence: missense variant. On other transcripts: intron variant (1).
Genome position (GRCh38, 1-based): chr6:135,290,433, G>C on the plus strand (C>G on the coding strand, the complement: AHI1 is on the minus strand). VCF-style: chr6-135290433-G-C. GRCh37 (hg19) VCF-style: chr6-135611571-G-C.
Other names: c.3578C>G, p.Thr1193Ser (NM_001134830.2, NM_001350503.2, NM_017651.5); c.3486-4786C>G (NM_001350504.2); short protein forms T1193S.
Identifiers: ClinVar variation 1025084 (VCV001025084.11), dbSNP rs1782196497, ClinGen allele CA365840637.

ClinVar aggregate classification (germline): Uncertain significance (1 of 4 stars; one submission).

Conditions:
Joubert syndrome. Also called: Familial aplasia of the vermis; CEREBELLOPARENCHYMAL DISORDER IV; JOUBERT-BOLTSHAUSER SYNDROME. Identifiers: Orphanet 475, MedGen C5979921, MONDO:0018772.

Submission:

Labcorp Genetics (formerly Invitae), Labcorp
Classification: Uncertain significance for Joubert syndrome. Last evaluated: 2020-10-08. Review status: criteria provided, single submitter. Criteria: Invitae Variant Classification Sherloc (09022015). Collection method: clinical testing. Allele origin: germline.
Comment: In summary, the available evidence is currently insufficient to determine the role of this variant in disease. Therefore, it has been classified as a Variant of Uncertain Significance. Algorithms developed to predict the effect of missense changes on protein structure and function output the following: SIFT: "Deleterious"; PolyPhen-2: "Probably Damaging"; Align-GVGD: "Class C0". The serine amino acid residue is found in multiple mammalian species, suggesting that this missense change does not adversely affect protein function. These predictions have not been confirmed by published functional studies and their clinical significance is uncertain. This variant has not been reported in the literature in individuals with AHI1-related conditions. This variant is not present in population databases (ExAC no frequency). This sequence change replaces threonine with serine at codon 1193 of the AHI1 protein (p.Thr1193Ser). The threonine residue is weakly conserved and there is a small physicochemical difference between threonine and serine.